The following is an entry in ClinVar:

ClinVar aggregate classification (germline): Uncertain significance (1 of 4 stars; one submission).

Conditions:
Intellectual disability, autosomal dominant 14 (CSS2). Also called: COFFIN-SIRIS SYNDROME 2. Identifiers: Orphanet 1465, MedGen C3553247, MONDO:0013819, OMIM 614607.

Allele frequency attached by ClinVar (database versions not stated): gnomAD exomes below 0.00001; TOPMed below 0.00001.
gnomAD v4.1: 1 of 1,614,206 alleles (0.000062%); highest among the groups gnomAD compares: Non-Finnish European, 0.000085%; no homozygotes.

Submission:

Institute of Human Genetics, University of Leipzig Medical Center
Classification: Uncertain significance for Intellectual disability, autosomal dominant 14. Last evaluated: 2024-02-08. Review status: criteria provided, single submitter. Criteria: ACMG Guidelines, 2015. Collection method: clinical testing. Allele origin: de novo. Inheritance: Autosomal dominant inheritance. Affected: yes.
Comment: Criteria applied: PS2_SUP, PM2_SUP

NM_006015.6(ARID1A):c.6425G>A (p.Ser2142Asn)

Gene: ARID1A (AT-rich interaction domain 1A; plus strand). Cytogenetic location: 1p36.11.
Variant type: single nucleotide variant.
Coding change: c.6425G>A on transcript NM_006015.6 (MANE Select); coding-DNA position 6425, G replaced by A.
Protein change: p.Ser2142Asn; replaces serine 2142 with asparagine.
Molecular consequence: missense variant.
Genome position (GRCh38, 1-based): chr1:26,780,323, G>A. VCF-style: chr1-26780323-G-A. GRCh37 (hg19) VCF-style: chr1-27106814-G-A.
Other names: c.5774G>A, p.Ser1925Asn (NM_139135.4); short protein forms S1925N, S2142N.
Identifiers: ClinVar variation 3024546 (VCV003024546.2), dbSNP rs1351063353, ClinGen allele CA339192335.
Genomic context (GRCh38, chr1:26,780,323, plus strand): 5'-TCAGCAAACTCAGCATCCAGGACAACAATGTGGACCTGATTCTGGCCACACCCCCCTTCA[G>A]CCGCCTGGAGAAGTTGTATAGCACTATGGTGCGCTTCCTCAGTGACCGAAAGAACCCGGT-3'
Protein context (NP_006006.3, residues 2132-2152): VDLILATPPF[Ser2142Asn]RLEKLYSTMV